The following is an entry in ClinVar:

ClinVar aggregate classification (germline): Uncertain significance (1 of 4 stars; one submission).

Allele frequency attached by ClinVar (database versions not stated): gnomAD exomes below 0.00001.
gnomAD v4.1: 1 of 1,604,008 alleles (0.000062%); highest among the groups gnomAD compares: Non-Finnish European, 0.000085%; no homozygotes.

Submission:

GeneDx
Classification: Uncertain significance. Last evaluated: 2022-07-15. Review status: criteria provided, single submitter. Criteria: GeneDx Variant Classification Process June 2021. Collection method: clinical testing. Allele origin: germline. Affected: yes.
Comment: Not observed at significant frequency in large population cohorts (gnomAD); In silico analysis supports that this missense variant has a deleterious effect on protein structure/function; Has not been previously published as pathogenic or benign to our knowledge

NM_005529.7(HSPG2):c.5990C>T (p.Pro1997Leu)

Gene: HSPG2 (heparan sulfate proteoglycan 2; minus strand). Cytogenetic location: 1p36.12.
Variant type: single nucleotide variant.
Coding change: c.5990C>T on transcript NM_005529.7 (MANE Select); coding-DNA position 5990, C replaced by T.
Protein change: p.Pro1997Leu; replaces proline 1997 with leucine.
Molecular consequence: missense variant.
Genome position (GRCh38, 1-based): chr1:21,855,311, G>A on the plus strand (C>T on the coding strand, the complement: HSPG2 is on the minus strand). VCF-style: chr1-21855311-G-A. GRCh37 (hg19) VCF-style: chr1-22181804-G-A.
Other names: c.5993C>T, p.Pro1998Leu (NM_001291860.2); short protein forms P1997L, P1998L.
Identifiers: ClinVar variation 1878913 (VCV001878913.1), dbSNP rs2550693853, ClinGen allele CA338935333.